The following is an entry in ClinVar:

ClinVar aggregate classification (germline): Uncertain significance (1 of 4 stars; one submission).

Allele frequency attached by ClinVar (database versions not stated): ExAC 0.00001; gnomAD exomes 0.00001; TOPMed 0.00001; gnomAD 0.00003 and 0.00004.
gnomAD v4.1: 19 of 1,613,648 alleles (0.0012%); highest among the groups gnomAD compares: Admixed American, 0.0083%; no homozygotes.

Submission:

GeneDx
Classification: Uncertain significance. Last evaluated: 2022-02-10. Review status: criteria provided, single submitter. Criteria: GeneDx Variant Classification Process June 2021. Collection method: clinical testing. Allele origin: germline. Affected: yes.
Comment: Not observed at significant frequency in large population cohorts (gnomAD); In silico analysis supports that this missense variant does not alter protein structure/function; Has not been previously published as pathogenic or benign to our knowledge; Located in an alternate transcript of the gene

NM_017757.3(ZNF407):c.1047G>A (p.Met349Ile)

Gene: ZNF407 (zinc finger protein 407; plus strand). Cytogenetic location: 18q22.3.
Variant type: single nucleotide variant.
Coding change: c.1047G>A on transcript NM_017757.3 (MANE Select); coding-DNA position 1047, G replaced by A.
Protein change: p.Met349Ile; replaces methionine 349 with isoleucine.
Molecular consequence: missense variant.
Genome position (GRCh38, 1-based): chr18:74,632,066, G>A. VCF-style: chr18-74632066-G-A. GRCh37 (hg19) VCF-style: chr18-72344022-G-A.
Other names: c.1047G>A, p.Met349Ile (NM_001146189.1, NM_001146190.1, NM_001384475.1); short protein forms M349I.
Identifiers: ClinVar variation 1700759 (VCV001700759.2), dbSNP rs771137840, ClinGen allele CA9000287.